The following is an entry in ClinVar:

NM_058246.4(DNAJB6):c.938G>C (p.Arg313Thr)

Gene: DNAJB6 (DnaJ heat shock protein family (Hsp40) member B6; plus strand). Cytogenetic location: 7q36.3.
Variant type: single nucleotide variant.
Coding change: c.938G>C on transcript NM_058246.4 (MANE Select); coding-DNA position 938, G replaced by C.
Protein change: p.Arg313Thr; replaces arginine 313 with threonine.
Molecular consequence: missense variant.
Genome position (GRCh38, 1-based): chr7:157,416,055, G>C. VCF-style: chr7-157416055-G-C. GRCh37 (hg19) VCF-style: chr7-157208749-G-C.
Other names: c.593G>C, p.Arg198Thr (NM_001363676.1); short protein forms R198T, R313T.
Identifiers: ClinVar variation 2747570 (VCV002747570.3), dbSNP rs763185312, ClinGen allele CA370167658.

ClinVar aggregate classification (germline): Uncertain significance (1 of 4 stars; one submission).

Conditions:
Autosomal dominant limb-girdle muscular dystrophy type 1D (DNAJB6) (LGMDD1). Also called: MUSCULAR DYSTROPHY, LIMB-GIRDLE, TYPE 1D; MUSCULAR DYSTROPHY, AUTOSOMAL DOMINANT, WITH RIMMED VACUOLES; Autosomal dominant limb-girdle muscular dystrophy type 1D; Muscular dystrophy, limb-girdle, autosomal dominant 1. Identifiers: Orphanet 34516, MedGen C4721885, MONDO:0021018, OMIM 603511.

gnomAD v4.1: 5 of 1,614,082 alleles (0.00031%); highest among the groups gnomAD compares: African/African-American, 0.0067%; no homozygotes.

Submission:

Labcorp Genetics (formerly Invitae), Labcorp
Classification: Uncertain significance for Autosomal dominant limb-girdle muscular dystrophy type 1D (DNAJB6). Last evaluated: 2025-08-29. Review status: criteria provided, single submitter. Criteria: Invitae Variant Classification Sherloc (09022015). Collection method: clinical testing. Allele origin: germline.
Comment: This sequence change replaces arginine, which is basic and polar, with threonine, which is neutral and polar, at codon 313 of the DNAJB6 protein (p.Arg313Thr). This variant is not present in population databases (gnomAD no frequency). This variant has not been reported in the literature in individuals affected with DNAJB6-related conditions. ClinVar contains an entry for this variant (Variation ID: 2747570). Invitae Evidence Modeling of protein sequence and biophysical properties (such as structural, functional, and spatial information, amino acid conservation, physicochemical variation, residue mobility, and thermodynamic stability) indicates that this missense variant is not expected to disrupt DNAJB6 protein function with a negative predictive value of 80%. In summary, the available evidence is currently insufficient to determine the role of this variant in disease. Therefore, it has been classified as a Variant of Uncertain Significance.